The following is an entry in ClinVar:

ClinVar aggregate classification (germline): Pathogenic/Likely pathogenic. Review status: criteria provided, multiple submitters, no conflicts (2 of 4 stars). 2 submissions from 2 submitters: Pathogenic (1); Likely pathogenic (1). Last evaluated 2023-08-28.

Conditions:
Long QT syndrome (LQTS). Identifiers: MedGen C0023976, MeSH D008133, MONDO:0002442. Disease mechanism: loss of function. Inheritance: Various modes of inheritance.
Cardiac arrhythmia. Also called: Arrhythmia; Cardiac rhythm disease. Identifiers: MedGen C0003811, MONDO:0007263, HP:0011675.

Allele frequency attached by ClinVar (database versions not stated): gnomAD exomes below 0.00001.
gnomAD v4.1: 2 of 1,614,250 alleles (0.00012%); highest among the groups gnomAD compares: Non-Finnish European, 0.00017%; no homozygotes.

Submissions (2):

Color Diagnostics, LLC DBA Color Health
Classification: Pathogenic for Cardiac arrhythmia. Last evaluated: 2023-08-28. Review status: criteria provided, single submitter. Criteria: ACMG Guidelines, 2015. Collection method: clinical testing. Allele origin: germline.
Comment: This variant changes 1 nucleotide in exon 11 of the KCNQ1 gene, creating a premature translation stop signal. This variant is expected to result in an absent or non-functional protein product. To our knowledge, this variant has not been reported in individuals affected with KCNQ1-related disorders in the literature. This variant has not been identified in the general population by the Genome Aggregation Database (gnomAD). Loss of KCNQ1 function is a known mechanism of disease. Based on the available evidence, this variant is classified as Pathogenic.

All of Us Research Program, National Institutes of Health
Classification: Likely pathogenic for Long QT syndrome. Last evaluated: 2023-07-08. Review status: criteria provided, single submitter. Criteria: ACMG Guidelines, 2015. Collection method: clinical testing. Allele origin: germline. Inheritance: Autosomal dominant inheritance. Observed: 1 variant allele, 1 heterozygote.
Comment: The c.1480G>T (p.Glu494*) variant of the KCNQ1 gene is located in exon 11 and is predicted to cause loss of normal protein function either through abnormal, prematurely truncated protein, or by absence of protein product due to nonsense-mediated mRNA decay. Loss-of-function variants in KCNQ1 gene are known to be pathogenic for long QT syndrome (LQTS) (PMID: 9323054, 19862833). This variant has not been identified in the general population according to gnomAD. For these reasons, the c.1480G>T (p.Glu494*) variant in the KCNQ1 gene has been classified as likely pathogenic.

This study involves interpretation of variants in research participants for the purpose of population health screening. Participant phenotype was not available at the time of variant classification. Additional details can be found in publication PMID: 35346344, PMCID: PMC8962531

Literature cited by the submitters: PubMed 9323054 (cited by All of Us Research Program, National Institutes of Health); PubMed 19862833 (cited by All of Us Research Program, National Institutes of Health).

NM_000218.3(KCNQ1):c.1480G>T (p.Glu494Ter)

Genes: KCNQ1 (potassium voltage-gated channel subfamily Q member 1; plus strand), KCNQ1OT1 (KCNQ1 opposite strand/antisense transcript 1; minus strand). Cytogenetic location: 11p15.5.
Variant type: single nucleotide variant.
Coding change: c.1480G>T on transcript NM_000218.3 (MANE Select); coding-DNA position 1480, G replaced by T.
Protein change: p.Glu494Ter; replaces glutamic acid 494 with a stop codon.
Molecular consequence: nonsense. On other transcripts: non-coding transcript variant (1).
Genome position (GRCh38, 1-based): chr11:2,662,047, G>T. VCF-style: chr11-2662047-G-T. GRCh37 (hg19) VCF-style: chr11-2683277-G-T.
Other names: c.1384G>T, p.Glu462Ter (NM_001406836.1); c.1210G>T, p.Glu404Ter (NM_001406837.1); c.940G>T, p.Glu314Ter (NM_001406838.1); c.1099G>T, p.Glu367Ter (NM_181798.2); short protein forms E314*, E494*, E404*, E367*, E462*.
Identifiers: ClinVar variation 2773480 (VCV002773480.3), dbSNP rs2493870388, ClinGen allele CA379479719.
Genomic context (GRCh38, chr11:2,662,047, plus strand): 5'-GTGAGCATGCCCCATTTCATGAGAACCAACAGCTTCGCCGAGGACCTGGACCTGGAAGGG[G>T]AGACTCTGCTGACACCCATCACCCACATCTCACAGTGAGTGCCTACATGTGCGTGAAGGG-3'